The following is an entry in ClinVar:

NM_001170535.3(ATAD3A):c.1558C>T (p.Arg520Trp)

Gene: ATAD3A (ATPase family AAA domain containing 3A; plus strand). Cytogenetic location: 1p36.33.
Variant type: single nucleotide variant.
Coding change: c.1558C>T on transcript NM_001170535.3 (MANE Select); coding-DNA position 1558, C replaced by T.
Protein change: p.Arg520Trp; replaces arginine 520 with tryptophan.
Molecular consequence: missense variant.
Genome position (GRCh38, 1-based): chr1:1,529,275, C>T. VCF-style: chr1-1529275-C-T. GRCh37 (hg19) VCF-style: chr1-1464655-C-T.
Other names: c.1321C>T, p.Arg441Trp (NM_001170536.3); c.1702C>T, p.Arg568Trp (NM_018188.5); short protein forms R441W, R520W, R568W.
Identifiers: ClinVar variation 3389248 (VCV003389248.14).

ClinVar aggregate classification (germline): Uncertain significance (1 of 4 stars; one submission).

Submission:

CeGaT Center for Human Genetics Tuebingen
Classification: Uncertain significance. Last evaluated: 2024-10-01. Review status: criteria provided, single submitter. Criteria: CeGaT Center For Human Genetics Tuebingen Variant Classification Criteria Version 2. Collection method: clinical testing. Allele origin: germline. Affected: yes. Observed: 1 variant allele.
Comment: ATAD3A: PM2, BP4